The following is an entry in ClinVar:

NM_001170692.2(CAGE1):c.1515G>A (p.Leu505=)

Gene: CAGE1 (cancer antigen 1; minus strand). Cytogenetic location: 6p24.3.
Variant type: single nucleotide variant.
Coding change: c.1515G>A on transcript NM_001170692.2 (MANE Select); coding-DNA position 1515, G replaced by A.
Protein change: p.Leu505=; no amino-acid change (leucine 505 retained).
Molecular consequence: synonymous variant.
Genome position (GRCh38, 1-based): chr6:7,373,304, C>T on the plus strand (G>A on the coding strand, the complement: CAGE1 is on the minus strand). VCF-style: chr6-7373304-C-T. GRCh37 (hg19) VCF-style: chr6-7373537-C-T.
Other names: c.1515G>A, p.Leu505= (NM_001170693.2); c.1107G>A, p.Leu369= (NM_205864.3).
Identifiers: ClinVar variation 2656206 (VCV002656206.24), dbSNP rs181758123, ClinGen allele CA3627249.

ClinVar aggregate classification (germline): Likely benign (1 of 4 stars; one submission).

Allele frequency attached by ClinVar (database versions not stated): 1000 Genomes Project 30x 0.00125; ESP Exome Variant Server 0.00128; TOPMed 0.00148; gnomAD 0.00153; 1000 Genomes Project 0.00160; gnomAD exomes 0.00197; ExAC 0.00294.
gnomAD v4.1: 3,162 of 1,606,574 alleles (0.2%); highest among the groups gnomAD compares: Middle Eastern, 2%; 18 homozygotes.

Submission:

CeGaT Center for Human Genetics Tuebingen
Classification: Likely benign. Last evaluated: 2022-08-01. Review status: criteria provided, single submitter. Criteria: CeGaT Center For Human Genetics Tuebingen Variant Classification Criteria Version 2. Collection method: clinical testing. Allele origin: germline. Affected: yes. Observed: 1 variant allele.
Comment: CAGE1: BP4, BP7, BS2